The following is an entry in ClinVar:

NM_020549.5(CHAT):c.476_477delinsAG (p.Phe159Ter)

Gene: CHAT (choline O-acetyltransferase; plus strand). Cytogenetic location: 10q11.23.
Variant type: Indel.
Coding change: c.476_477delinsAG on transcript NM_020549.5 (MANE Select); coding-DNA positions 476 to 477, TC replaced by AG.
Protein change: p.Phe159Ter; replaces phenylalanine 159 with a stop codon.
Molecular consequence: nonsense.
Genome position (GRCh38, 1-based): chr10:49,619,813-49,619,814, TC replaced by AG. VCF-style: chr10-49619813-TC-AG. GRCh37 (hg19) VCF-style: chr10-50827859-TC-AG.
Other names: c.122_123delinsAG, p.Phe41Ter (NM_001142929.2, NM_001142934.2, NM_020984.4 and 2 more transcripts); c.230_231delinsAG, p.Phe77Ter (NM_001142933.2); short protein forms F41*, F77*, F159*.
Identifiers: ClinVar variation 858247 (VCV000858247.8), dbSNP rs1838635262, ClinGen allele CA916083125.
Genomic context (GRCh38, chr10:49,619,813, plus strand): 5'-TGCAGCAGACCCTGGCCACGTACCTGCAGTGCATGCGACACTTGGTGTCTGAGGAGCAGT[TC>AG]AGGAAGAGCCAGGCCATTGTGCAGCAGTTTGGGGCCCCTGGTGGCCTCGGCGAGACCCTG-3'

ClinVar aggregate classification (germline): Pathogenic (1 of 4 stars; one submission).

Conditions:
Familial infantile myasthenia (CMS6). Also called: Congenital myasthenic syndrome type 6; MYASTHENIC SYNDROME, PRESYNAPTIC, CONGENITAL, ASSOCIATED WITH EPISODIC APNEA; MYASTHENIC SYNDROME, CONGENITAL, 6, PRESYNAPTIC. Identifiers: Orphanet 590, MedGen C0393929, MONDO:0009689, OMIM 254210.

Submission:

Labcorp Genetics (formerly Invitae), Labcorp
Classification: Pathogenic for Familial infantile myasthenia. Last evaluated: 2024-01-22. Review status: criteria provided, single submitter. Criteria: Invitae Variant Classification Sherloc (09022015). Collection method: clinical testing. Allele origin: germline.
Comment: This sequence change creates a premature translational stop signal (p.Phe159*) in the CHAT gene. It is expected to result in an absent or disrupted protein product. Loss-of-function variants in CHAT are known to be pathogenic (PMID: 12548525, 21786365, 23292760). Information on the frequency of this variant in the gnomAD database is not available, as this variant may be reported differently in the database. This variant has not been reported in the literature in individuals affected with CHAT-related conditions. ClinVar contains an entry for this variant (Variation ID: 858247). For these reasons, this variant has been classified as Pathogenic.

Literature cited by the submitters: PubMed 12548525; PubMed 21786365; PubMed 23292760.